The following is an entry in ClinVar:

ClinVar aggregate classification (germline): Uncertain significance. Review status: criteria provided, multiple submitters, no conflicts (2 of 4 stars). 12 submissions from 9 submitters: Uncertain significance (11). 1 of the submissions does not count toward it. Last evaluated 2025-10-28.

Conditions:
MYH7-related disorder. Also called: MYH7-related condition; MYH7-related disease; MYH7-related disorders.
Cardiovascular phenotype. Identifiers: MedGen CN230736.
Myosin storage myopathy (CMYO7A). Also called: MYOPATHY WITH LYSIS OF TYPE I MYOFIBRILS; MYH7-related late-onset scapuloperoneal muscular dystrophy; Congenital myopathy 7A, myosin storage, autosomal dominant; MYOPATHY, HYALINE BODY, AUTOSOMAL DOMINANT; Scapuloperoneal myopathy, MYH7-related; SCAPULOPERONEAL MUSCULAR DYSTROPHY. Identifiers: Orphanet 437572, Orphanet 636965, MedGen C1842160, MONDO:0008409, OMIM 608358.
Cardiomyopathy (CMYO). Also called: Cardiomyopathies. Identifiers: Orphanet 167848, MedGen C0878544, MONDO:0004994, HP:0001638. Inheritance: Various modes of inheritance.
MYH7-related skeletal myopathy. Also called: Myopathy, distal, 1; Laing early-onset distal myopathy; MYOPATHY, DISTAL, EARLY-ONSET, AUTOSOMAL DOMINANT; MYOPATHY, LATE DISTAL HEREDITARY; Laing distal myopathy. Identifiers: Orphanet 59135, MedGen C4552004, MONDO:0008050, OMIM 160500.
Hypertrophic cardiomyopathy 1 (CMH1). Also called: Familial hypertrophic cardiomyopathy 1; MYH7-Related Familial Hypertrophic Cardiomyopathy. Identifiers: MedGen C3495498, MONDO:0008647, OMIM 192600.
Dilated cardiomyopathy 1S (CMD1S). Identifiers: Orphanet 154, Orphanet 54260, MedGen C1834481, MONDO:0013262, OMIM 613426.
Hypertrophic cardiomyopathy. Also called: HYPERTROPHIC MYOCARDIOPATHY. Identifiers: Orphanet 217569, MedGen C0007194, MeSH D002312, MONDO:0005045, HP:0001639.

Allele frequency attached by ClinVar (database versions not stated): TOPMed below 0.00001; gnomAD 0.00001; gnomAD exomes 0.00001.
gnomAD v4.1: 12 of 1,614,048 alleles (0.00074%); highest among the groups gnomAD compares: Middle Eastern, 0.016%; no homozygotes.

Submissions (12):

Labcorp Genetics (formerly Invitae), Labcorp
Classification: Uncertain significance for Hypertrophic cardiomyopathy. Last evaluated: 2025-10-28. Review status: criteria provided, single submitter. Criteria: Invitae Variant Classification Sherloc (09022015). Collection method: clinical testing. Allele origin: germline.
Comment: This sequence change replaces arginine, which is basic and polar, with cysteine, which is neutral and slightly polar, at codon 1606 of the MYH7 protein (p.Arg1606Cys). This variant is present in population databases (rs200530211, gnomAD 0.003%). This missense change has been observed in individual(s) with hypertrophic cardiomyopathy (PMID: 25031304, 27247418, 27532257). ClinVar contains an entry for this variant (Variation ID: 177945). Invitae Evidence Modeling of protein sequence and biophysical properties (such as structural, functional, and spatial information, amino acid conservation, physicochemical variation, residue mobility, and thermodynamic stability) indicates that this missense variant is expected to disrupt MYH7 protein function with a positive predictive value of 95%. In summary, the available evidence is currently insufficient to determine the role of this variant in disease. Therefore, it has been classified as a Variant of Uncertain Significance.

Ambry Genetics
Classification: Uncertain significance for Cardiovascular phenotype. Last evaluated: 2025-06-18. Review status: criteria provided, single submitter. Criteria: Ambry Variant Classification Scheme 2023. Collection method: clinical testing. Allele origin: germline.
Comment: The p.R1606C variant (also known as c.4816C>T), located in coding exon 32 of the MYH7 gene, results from a C to T substitution at nucleotide position 4816. The arginine at codon 1606 is replaced by cysteine, an amino acid with highly dissimilar properties. This alteration has been reported in individuals from hypertrophic cardiomyopathy cohorts; however, limited clinical detail was provided and some reports may overlap (Marsiglia JD et al. Am. Heart J., 2013 Oct;166:775-82; Helms AS et al. Circ Cardiovasc Genet, 2014 Aug;7:434-43; Homburger JR et al. Proc. Natl. Acad. Sci. U.S.A., 2016 06;113:6701-6; Walsh R et al. Genet. Med., 2017 Feb;19:192-203). This amino acid position is highly conserved in available vertebrate species. In addition, this alteration is predicted to be deleterious by in silico analysis. Since supporting evidence is limited at this time, the clinical significance of this alteration remains unclear.

GeneDx
Classification: Uncertain significance. Last evaluated: 2024-09-06. Review status: criteria provided, single submitter. Criteria: GeneDx Variant Classification Process June 2021. Collection method: clinical testing. Allele origin: germline. Affected: yes.
Comment: Reported as a variant of uncertain significance in association with HCM (PMID: 27532257, 25031304, 27688314, 27247418); Not observed at significant frequency in large population cohorts (gnomAD); In silico analysis supports that this missense variant has a deleterious effect on protein structure/function; This variant is associated with the following publications: (PMID: 25031304, 27688314, 27247418, 28986452, 28606303, 27532257, 23861362, 37652022)

Color Diagnostics, LLC DBA Color Health
Classification: Uncertain significance for Cardiomyopathy. Last evaluated: 2024-03-01. Review status: criteria provided, single submitter. Criteria: ACMG Guidelines, 2015. Collection method: clinical testing. Allele origin: germline.
Comment: This missense variant replaces arginine with cysteine at codon 1606 of the MYH7 protein. Computational prediction tools indicate that this variant has a deleterious impact on protein structure and function. An experimental functional study has shown that this variant does not change mRNA and protein expression levels (PMID: 25031304). This variant has been reported in five individuals affected with hypertrophic cardiomyopathy (PMID: 25031304, 27532257, 28640247, 30297972) and in one individual affected with unspecified cardiomyopathy (PMID: 33764162). This variant has been identified in 2/251490 chromosomes in the general population by the Genome Aggregation Database (gnomAD). The available evidence is insufficient to determine the role of this variant in disease conclusively. Therefore, this variant is classified as a Variant of Uncertain Significance.

All of Us Research Program, National Institutes of Health
Classification: Uncertain significance for Cardiomyopathy. Last evaluated: 2023-12-18. Review status: criteria provided, single submitter. Criteria: ACMG Guidelines, 2015. Collection method: clinical testing. Allele origin: germline. Inheritance: Autosomal dominant inheritance. Observed: 4 variant alleles, 4 heterozygotes.
Comment: This missense variant replaces arginine with cysteine at codon 1606 of the MYH7 protein. Computational prediction suggests that this variant may have a deleterious impact on protein structure and function (internally defined REVEL score threshold >= 0.7, PMID: 27666373). An experimental functional study has shown that this variant does not change mRNA and protein expression levels (PMID: 25031304). This variant has been reported in individuals affected with hypertrophic cardiomyopathy (PMID: 25031304, 27532257, 28640247, 30297972) and in an individual affected with unspecified cardiomyopathy (PMID: 33764162). This variant has been identified in 2/251490 chromosomes in the general population by the Genome Aggregation Database (gnomAD). The available evidence is insufficient to determine the role of this variant in disease conclusively. Therefore, this variant is classified as a Variant of Uncertain Significance.

This study involves interpretation of variants in research participants for the purpose of population health screening. Participant phenotype was not available at the time of variant classification. Additional details can be found in publication PMID: 35346344, PMCID: PMC8962531

Illumina Laboratory Services, Illumina
Classification: Uncertain significance for Hypertrophic cardiomyopathy 1. Last evaluated: 2017-04-27. Review status: criteria provided, single submitter. Criteria: ICSL Variant Classification Criteria 13 December 2019. Collection method: clinical testing. Allele origin: germline.
Comment: This variant was observed as part of a predisposition screen in an ostensibly healthy population. A literature search was performed for the gene, cDNA change, and amino acid change (where applicable). Publications were found based on this search. However, the evidence from the literature, in combination with allele frequency data from public databases where available, was not sufficient to rule this variant in or out of causing disease. Therefore, this variant is classified as a variant of unknown significance.

Illumina Laboratory Services, Illumina
Classification: Uncertain significance for Dilated cardiomyopathy 1S. Last evaluated: 2017-04-27. Review status: criteria provided, single submitter. Criteria: ICSL Variant Classification Criteria 13 December 2019. Collection method: clinical testing. Allele origin: germline.

Illumina Laboratory Services, Illumina
Classification: Uncertain significance for Myosin storage myopathy. Last evaluated: 2017-04-27. Review status: criteria provided, single submitter. Criteria: ICSL Variant Classification Criteria 13 December 2019. Collection method: clinical testing. Allele origin: germline.

Illumina Laboratory Services, Illumina
Classification: Uncertain significance for MYH7-related skeletal myopathy. Last evaluated: 2017-04-27. Review status: criteria provided, single submitter. Criteria: ICSL Variant Classification Criteria 13 December 2019. Collection method: clinical testing. Allele origin: germline.

Laboratory for Molecular Medicine, Mass General Brigham Personalized Medicine
Classification: Uncertain significance. Last evaluated: 2016-09-12. Review status: criteria provided, single submitter. Criteria: LMM Criteria. Collection method: clinical testing. Allele origin: germline. Observed: 1 variant allele.
Comment: proposed classification - variant undergoing re-assessment, contact laboratory

Biesecker Lab/Clinical Genomics Section, National Institutes of Health
Classification: Uncertain significance. Last evaluated: 2013-06-24. Review status: criteria provided, single submitter. Criteria: Ng et al. (Circ Cardiovasc Genet. 2013). Collection method: research. Allele origin: unknown. Observed: 1 variant allele. Study: ClinSeq.
Comment: The study set was not selected for affection status in relation to any cancer. Pathogenicity categories were based on literature curation. See Pubmed ID:23861362 for details.

Medical sequencing

PreventionGenetics, part of Exact Sciences
Classification: Uncertain significance for MYH7-related condition. Last evaluated: 2023-12-27. Review status: no assertion criteria provided. Collection method: clinical testing. Allele origin: germline. Not counted in ClinVar's aggregate classification.
Comment: The MYH7 c.4816C>T variant is predicted to result in the amino acid substitution p.Arg1606Cys. This variant was reported in individuals with hypertrophic cardiomyopathy (Helms et al. 2014. PubMed ID: 25031304; Table S1, Homburger et al. 2016. PubMed ID: 27247418; Table S1B, Walsh et al. 2016. PubMed ID: 27532257). This variant is reported in 0.0033% of alleles in individuals of South Asian descent in gnomAD. At this time, the clinical significance of this variant is uncertain due to the absence of conclusive functional and genetic evidence.

Literature cited by the submitters: PubMed 25031304 (cited by 6 submitters); PubMed 27247418 (cited by 3 submitters); PubMed 27532257 (cited by 4 submitters); PubMed 24093860 (cited by Ambry Genetics and Laboratory for Molecular Medicine, Mass General Brigham Personalized Medicine); PubMed 28640247 (cited by Color Diagnostics, LLC DBA Color Health and All of Us Research Program, National Institutes of Health); PubMed 30297972 (cited by Color Diagnostics, LLC DBA Color Health and All of Us Research Program, National Institutes of Health); PubMed 33764162 (cited by Color Diagnostics, LLC DBA Color Health and All of Us Research Program, National Institutes of Health); PubMed 23861362 (cited by Illumina Laboratory Services, Illumina and Laboratory for Molecular Medicine, Mass General Brigham Personalized Medicine); PubMed 12881443 (cited by Laboratory for Molecular Medicine, Mass General Brigham Personalized Medicine).

NM_000257.4(MYH7):c.4816C>T (p.Arg1606Cys)

Genes: MHRT (myosin heavy chain associated RNA transcript; plus strand), MYH7 (myosin heavy chain 7; minus strand), LOC126861897 (BRD4-independent group 4 enhancer GRCh37_chr14:23884455-23885654; plus strand). Cytogenetic location: 14q11.2.
Variant type: single nucleotide variant.
Coding change: c.4816C>T on transcript NM_000257.4 (MANE Select); coding-DNA position 4816, C replaced by T.
Protein change: p.Arg1606Cys; replaces arginine 1606 with cysteine.
Molecular consequence: missense variant. On other transcripts: non-coding transcript variant (1).
Genome position (GRCh38, 1-based): chr14:23,416,141, G>A on the plus strand (C>T on the coding strand, the complement: MYH7 is on the minus strand). VCF-style: chr14-23416141-G-A. GRCh37 (hg19) VCF-style: chr14-23885350-G-A.
Other names: p.R1606C:CGC>TGC; short protein forms R1606C.
Identifiers: ClinVar variation 177945 (VCV000177945.31), dbSNP rs200530211, ClinGen allele CA015344.